The following is an entry in ClinVar:

ClinVar aggregate classification (germline): Uncertain significance. Review status: criteria provided, multiple submitters, no conflicts (2 of 4 stars). 4 submissions from 4 submitters: Uncertain significance (4). Last evaluated 2026-04-13.

Conditions:
OTOGL-related disorder. Also called: OTOGL-related condition.
Inborn genetic diseases. Identifiers: MedGen C0950123, MeSH D030342.

Submissions (4):

PreventionGenetics, part of Exact Sciences
Classification: Uncertain significance for OTOGL-related condition. Last evaluated: 2026-04-13. Review status: criteria provided, single submitter. Criteria: ACMG Guidelines, 2015. Collection method: clinical testing. Allele origin: germline.
Comment: The OTOGL c.4209G>A variant is predicted to result in the amino acid substitution p.Met1403Ile. To our knowledge, this variant has not been reported in the literature. This variant is reported in 0.013% of alleles in individuals of European (Non-Finnish) descent in gnomAD. At this time, the clinical significance of this variant is uncertain due to the absence of conclusive functional and genetic evidence.

GeneDx
Classification: Uncertain significance. Last evaluated: 2025-08-02. Review status: criteria provided, single submitter. Criteria: GeneDx Variant Classification Process June 2021. Collection method: clinical testing. Allele origin: germline. Affected: yes.
Comment: In silico analysis supports that this missense variant has a deleterious effect on protein structure/function; In silico analysis is inconclusive as to whether the variant alters gene splicing. In the absence of RNA/functional studies, the actual effect of this sequence change is unknown.; Has not been previously published as pathogenic or benign to our knowledge

Ambry Genetics
Classification: Uncertain significance for Inborn genetic diseases. Last evaluated: 2025-05-04. Review status: criteria provided, single submitter. Criteria: Ambry Variant Classification Scheme 2023. Collection method: clinical testing. Allele origin: germline.

Blueprint Genetics
Classification: Uncertain significance. Last evaluated: 2024-11-11. Review status: criteria provided, single submitter. Criteria: ACMG Guidelines, 2015. Collection method: clinical testing. Allele origin: germline.

NM_001378609.3(OTOGL):c.4236G>A (p.Met1412Ile)

Gene: OTOGL (otogelin like; plus strand). Cytogenetic location: 12q21.31.
Variant type: single nucleotide variant.
Coding change: c.4236G>A on transcript NM_001378609.3 (MANE Select); coding-DNA position 4236, G replaced by A.
Protein change: p.Met1412Ile; replaces methionine 1412 with isoleucine.
Molecular consequence: missense variant.
Genome position (GRCh38, 1-based): chr12:80,328,701, G>A. VCF-style: chr12-80328701-G-A. GRCh37 (hg19) VCF-style: chr12-80722481-G-A.
Other names: c.4101G>A, p.Met1367Ile (NM_001368062.3); c.4236G>A, p.Met1412Ile (NM_001378610.3, NM_173591.7); short protein forms M1367I, M1412I.
Identifiers: ClinVar variation 3926708 (VCV003926708.4).